The following is an entry in ClinVar:

NM_001330360.2(POLA1):c.775G>A (p.Asp259Asn)

Gene: POLA1 (DNA polymerase alpha 1, catalytic subunit; plus strand). Cytogenetic location: Xp22.11.
Variant type: single nucleotide variant.
Coding change: c.775G>A on transcript NM_001330360.2 (MANE Select); coding-DNA position 775, G replaced by A.
Protein change: p.Asp259Asn; replaces aspartic acid 259 with asparagine.
Molecular consequence: missense variant. On other transcripts: non-coding transcript variant (2).
Genome position (GRCh38, 1-based): chrX:24,717,358, G>A. VCF-style: chrX-24717358-G-A. GRCh37 (hg19) VCF-style: chrX-24735475-G-A.
Other names: c.775G>A, p.Asp259Asn (NM_001378303.1); c.757G>A, p.Asp253Asn (NM_016937.4); short protein forms D253N, D259N.
Identifiers: ClinVar variation 3370765 (VCV003370765.1).
Genomic context (GRCh38, chrX:24,717,358, plus strand): 5'-GTACAGGTCGAGAGTACAGAAGAAGAGCAGGAGTCAGGGGCAATGGAGTTTGAAGATGGT[G>A]ACTTTGATGAGCCCATGGAAGTTGAAGAGGTGGACCTGGAGCCTATGGCTGCCAAGGCTT-3'
Protein context (NP_001317289.1, residues 249-269): ESGAMEFEDG[Asp259Asn]FDEPMEVEEV

ClinVar aggregate classification (germline): Uncertain significance (1 of 4 stars; one submission).

gnomAD v4.1: 2 of 1,209,502 alleles (0.00017%); highest among the groups gnomAD compares: Admixed American, 0.0022%; no homozygotes.

Submission:

GeneDx
Classification: Uncertain significance. Last evaluated: 2024-03-07. Review status: criteria provided, single submitter. Criteria: GeneDx Variant Classification Process June 2021. Collection method: clinical testing. Allele origin: germline. Affected: yes.
Comment: In silico analysis supports that this missense variant has a deleterious effect on protein structure/function; Has not been previously published as pathogenic or benign to our knowledge